The following is an entry in ClinVar:

NM_000256.3(MYBPC3):c.3277G>T (p.Gly1093Cys)

Gene: MYBPC3 (myosin binding protein C3; minus strand). Cytogenetic location: 11p11.2.
Variant type: single nucleotide variant.
Coding change: c.3277G>T on transcript NM_000256.3 (MANE Select); coding-DNA position 3277, G replaced by T.
Protein change: p.Gly1093Cys; replaces glycine 1093 with cysteine.
Molecular consequence: missense variant.
Genome position (GRCh38, 1-based): chr11:47,333,247, C>A on the plus strand (G>T on the coding strand, the complement: MYBPC3 is on the minus strand). VCF-style: chr11-47333247-C-A. GRCh37 (hg19) VCF-style: chr11-47354798-C-A.
Other names: short protein forms G1093C.
Identifiers: ClinVar variation 164043 (VCV000164043.37), dbSNP rs727503173, ClinGen allele CA013754.

ClinVar aggregate classification (germline): Uncertain significance. Review status: criteria provided, multiple submitters, no conflicts (2 of 4 stars). 12 submissions from 12 submitters: Uncertain significance (12). Last evaluated 2026-09-02.

Conditions:
MYBPC3-related disorder. Also called: MYBPC3-related disorders; MYBPC3-related condition; MYBPC3-related disease.
Cardiovascular phenotype. Identifiers: MedGen CN230736.
Cardiomyopathy (CMYO). Also called: Cardiomyopathies. Identifiers: Orphanet 167848, MedGen C0878544, MONDO:0004994, HP:0001638. Inheritance: Various modes of inheritance.
Hypertrophic cardiomyopathy. Also called: HYPERTROPHIC MYOCARDIOPATHY. Identifiers: Orphanet 217569, MedGen C0007194, MeSH D002312, MONDO:0005045, HP:0001639.
Hypertrophic cardiomyopathy 4. Also called: Familial hypertrophic cardiomyopathy 4. Identifiers: MedGen C1861862, MONDO:0007268, OMIM 115197.

Allele frequency attached by ClinVar (database versions not stated): TOPMed 0.00002; gnomAD 0.00001; ExAC 0.00002.
gnomAD v4.1: 93 of 1,587,162 alleles (0.0059%); highest among the groups gnomAD compares: Non-Finnish European, 0.0076%; no homozygotes.

Submissions 1 to 7 of 12:

Ambry Genetics
Classification: Uncertain significance for Cardiovascular phenotype. Last evaluated: 2026-09-02. Review status: criteria provided, single submitter. Criteria: Ambry Variant Classification Scheme 2023. Collection method: clinical testing. Allele origin: germline.
Comment: The p.G1093C variant (also known as c.3277G>T), located in coding exon 30 of the MYBPC3 gene, results from a G to T substitution at nucleotide position 3277. The glycine at codon 1093 is replaced by cysteine, an amino acid with highly dissimilar properties. This variant was identified in one or more individuals with features consistent with hypertrophic cardiomyopathy and segregated with disease in at least one family (Burns C et al, Circ Cardiovasc Genet. 2017 Aug;10; Cann F et al, Clin Genet. 2017 01;91:22-29; Walsh R et al, Genet Med. 2017 02;19:192-203; Helms AS et al. Circ Genom Precis Med. 2020 Oct;13(5):396-405). This amino acid position is highly conserved in available vertebrate species. In addition, this alteration is predicted to be deleterious by in silico analysis. Since supporting evidence is limited at this time, the clinical significance of this alteration remains unclear.

Women's Health and Genetics/Laboratory Corporation of America, LabCorp
Classification: Uncertain significance. Last evaluated: 2026-04-06. Review status: criteria provided, single submitter. Criteria: LabCorp Variant Classification Summary - May 2015. Collection method: clinical testing. Allele origin: germline.
Comment: Variant summary: MYBPC3 c.3277G>T (p.Gly1093Cys) results in a non-conservative amino acid change in the encoded protein sequence. Algorithms developed to predict the effect of missense changes on protein structure and function all suggest that this variant is likely to be disruptive. The variant allele was found at a frequency of 3.9e-05 in 202600 control chromosomes. The available data on variant occurrences in the general population are insufficient to allow any conclusion about variant significance. c.3277G>T has been observed in multiple individuals affected with Hypertrophic Cardiomyopathy, including case(s) with sudden cardiac death, and in unaffected controls (e.g. Cann_2017, Walsh_2017, Ingles_2017, Burns_2017, Ho_2018, Kurzlechner_2022, Stafford_2022, McGurk_2023, Cianci_2024). These report(s) do not provide unequivocal conclusions about association of the variant with Hypertrophic Cardiomyopathy. To our knowledge, no experimental evidence demonstrating an impact on protein function has been reported. The following publications have been ascertained in the context of this evaluation (PMID: 28790153, 27000522, 38279275, 30297972, 28408708, 35629155, 37652022, 36578016, 27532257). ClinVar contains an entry for this variant (Variation ID: 164043). Based on the evidence outlined above, the variant was classified as uncertain significance.

Color Diagnostics, LLC DBA Color Health
Classification: Uncertain significance for Cardiomyopathy. Last evaluated: 2025-06-04. Review status: criteria provided, single submitter. Criteria: ACMG Guidelines, 2015. Collection method: clinical testing. Allele origin: germline.
Comment: This missense variant replaces glycine with cysteine at codon 1093 of the MYBPC3 protein. Computational prediction suggests that this variant may have a deleterious impact on protein structure and function. To our knowledge, functional studies have not been reported for this variant. This variant has been reported in individuals affected with hypertrophic cardiomyopathy (PMID: 27532257, 28790153, 33495597, 37652022). It has also been reported in an individual affected with sudden unexplained death and cardiomyopathy identified on autopsy (PMID: 27000522). Two of eight carriers from this family were clinically affected. This variant has been identified in 9/233948 chromosomes in the general population by the Genome Aggregation Database (gnomAD). The available evidence is insufficient to determine the role of this variant in disease conclusively. Therefore, this variant is classified as a Variant of Uncertain Significance.

PreventionGenetics, part of Exact Sciences
Classification: Uncertain significance for MYBPC3-related condition. Last evaluated: 2024-12-13. Review status: criteria provided, single submitter. Criteria: ACMG Guidelines, 2015. Collection method: clinical testing. Allele origin: germline.
Comment: The MYBPC3 c.3277G>T variant is predicted to result in the amino acid substitution p.Gly1093Cys. This variant has been reported in individuals with hypertrophic cardiomyopathy (Cann et al. 2017. PubMed ID: 27000522; Tables S1A and S1B, Walsh et al. 2017. PubMed ID: 27532257; Table S2, Burns et al. 2017. PubMed ID: 28790153); however, this variant was also identified in unaffected individuals (Table S8, McGurk et al. 2023. PubMed ID: 37652022). This variant is reported in 0.0077% of alleles in individuals of European (Non-Finnish) descent in gnomAD. At this time, the clinical significance of this variant is uncertain due to the absence of conclusive functional and genetic evidence.

Labcorp Genetics (formerly Invitae), Labcorp
Classification: Uncertain significance for Hypertrophic cardiomyopathy. Last evaluated: 2024-09-23. Review status: criteria provided, single submitter. Criteria: Invitae Variant Classification Sherloc (09022015). Collection method: clinical testing. Allele origin: germline.
Comment: This sequence change replaces glycine, which is neutral and non-polar, with cysteine, which is neutral and slightly polar, at codon 1093 of the MYBPC3 protein (p.Gly1093Cys). The frequency data for this variant in the population databases is considered unreliable, as metrics indicate poor data quality at this position in the gnomAD database. This missense change has been observed in individuals with hypertrophic cardiomyopathy (PMID: 27000522, 27532257, 28790153, 33782553, 37652022). ClinVar contains an entry for this variant (Variation ID: 164043). An algorithm developed to predict the effect of missense changes on protein structure and function (PolyPhen-2) suggests that this variant is likely to be disruptive. In summary, the available evidence is currently insufficient to determine the role of this variant in disease. Therefore, it has been classified as a Variant of Uncertain Significance.

Blueprint Genetics
Classification: Uncertain significance. Last evaluated: 2024-07-29. Review status: criteria provided, single submitter. Criteria: ACMG Guidelines, 2015. Collection method: clinical testing. Allele origin: germline.

All of Us Research Program, National Institutes of Health
Classification: Uncertain significance for Hypertrophic cardiomyopathy. Last evaluated: 2024-02-05. Review status: criteria provided, single submitter. Criteria: ACMG Guidelines, 2015. Collection method: clinical testing. Allele origin: germline. Inheritance: Autosomal dominant inheritance. Observed: 5 variant alleles, 5 heterozygotes.
Comment: This missense variant replaces glycine with cysteine at codon 1093 of the MYBPC3 protein. Computational prediction suggests that this variant may have deleterious impact on protein structure and function (internally defined REVEL score threshold >= 0.7, PMID: 27666373). To our knowledge, functional studies have not been reported for this variant. This variant has been reported in individuals affected with hypertrophic cardiomyopathy (PMID: 27532257, 28790153, 33495597). It has also been reported in an individual affected with sudden unexplained death and cardiomyopathy identified on autopsy (PMID: 27000522). Two of eight carriers from this family were clinically affected. This variant has been identified in 9/233948 chromosomes in the general population by the Genome Aggregation Database (gnomAD). The available evidence is insufficient to determine the role of this variant in disease conclusively. Therefore, this variant is classified as a Variant of Uncertain Significance.

This study involves interpretation of variants in research participants for the purpose of population health screening. Participant phenotype was not available at the time of variant classification. Additional details can be found in publication PMID: 35346344, PMCID: PMC8962531